The following is an entry in ClinVar:

ClinVar aggregate classification (germline): Likely pathogenic (1 of 4 stars; one submission).

Conditions:
Deficiency of guanidinoacetate methyltransferase (CCDS2). Also called: Guanidinoacetate Methyltransferase (GAMT) Deficiency; CEREBRAL CREATINE DEFICIENCY SYNDROME 2; GAMT DEFICIENCY. Identifiers: Orphanet 382, MedGen C0574080, MONDO:0012999, OMIM 612736.

Submission:

Women's Health and Genetics/Laboratory Corporation of America, LabCorp
Classification: Likely pathogenic for Deficiency of guanidinoacetate methyltransferase. Last evaluated: 2023-03-31. Review status: criteria provided, single submitter. Criteria: LabCorp Variant Classification Summary - May 2015. Collection method: clinical testing. Allele origin: germline.
Comment: Variant summary: GAMT c.11_12delCC (p.Pro4GlnfsX80) results in a premature termination codon, predicted to cause a truncation of the encoded protein or absence of the protein due to nonsense mediated decay, which are commonly known mechanisms for disease. Truncations downstream of this position have been classified as pathogenic by our laboratory. The variant was absent in 30998 control chromosomes (gnomAD). To our knowledge, no occurrence of c.11_12delCC in individuals affected with Cerebral Creatine Deficiency Syndrome and no experimental evidence demonstrating its impact on protein function have been reported. No clinical diagnostic laboratories have submitted clinical-significance assessments for this variant to ClinVar after 2014. Based on the evidence outlined above, the variant was classified as likely pathogenic.

NM_000156.6(GAMT):c.11_12del (p.Pro4fs)

Genes: GAMT (guanidinoacetate N-methyltransferase; minus strand), LOC130062945 (ATAC-STARR-seq lymphoblastoid silent region 9707; plus strand). Cytogenetic location: 19p13.3.
Variant type: Deletion.
Coding change: c.11_12del on transcript NM_000156.6 (MANE Select); coding-DNA positions 11 to 12, 2 bases deleted (CC; older notation c.11_12delCC).
Protein change: p.Pro4fs; shifts the reading frame from proline 4.
Molecular consequence: frameshift variant.
Genome position (GRCh38, 1-based): chr19:1,401,465-1,401,466, GG deleted on the plus strand (CC on the coding strand, the reverse complement: GAMT is on the minus strand); deleting any 2 consecutive bases within chr19:1,401,465-1,401,469 gives the same sequence; the c. name uses the placement nearest the transcript's 3' end. VCF-style (leftmost placement, unchanged base first): chr19-1401464-TGG-T. GRCh37 (hg19) VCF-style: chr19-1401463-TGG-T.
Other names: c.11_12del, p.Pro4fs (NM_138924.3); short protein forms P4fs.
Identifiers: ClinVar variation 2501048 (VCV002501048.1), dbSNP rs2512229344, ClinGen allele CA2580612592.